The following is an entry in ClinVar:

NM_006379.5(SEMA3C):c.1200T>G (p.Phe400Leu)

Gene: SEMA3C (semaphorin 3C; minus strand). Cytogenetic location: 7q21.11.
Variant type: single nucleotide variant.
Coding change: c.1200T>G on transcript NM_006379.5 (MANE Select); coding-DNA position 1200, T replaced by G.
Protein change: p.Phe400Leu; replaces phenylalanine 400 with leucine.
Molecular consequence: missense variant.
Genome position (GRCh38, 1-based): chr7:80,789,460, A>C on the plus strand (T>G on the coding strand, the complement: SEMA3C is on the minus strand). VCF-style: chr7-80789460-A-C. GRCh37 (hg19) VCF-style: chr7-80418776-A-C.
Other names: c.1254T>G, p.Phe418Leu (NM_001350120.2); c.1026T>G, p.Phe342Leu (NM_001350121.2); short protein forms F418L, F342L, F400L.
Identifiers: ClinVar variation 4989967 (VCV004989967.1).

ClinVar aggregate classification (germline): Uncertain significance (1 of 4 stars; one submission).

Conditions:
SEMA3C-related disorder. Also called: SEMA3C-related condition.

gnomAD v4.1: 3 of 1,613,940 alleles (0.00019%); highest among the groups gnomAD compares: Non-Finnish European, 0.00025%; no homozygotes.

Submission:

PreventionGenetics, part of Exact Sciences
Classification: Uncertain significance for SEMA3C-related condition. Last evaluated: 2025-10-15. Review status: criteria provided, single submitter. Criteria: ACMG Guidelines, 2015. Collection method: clinical testing. Allele origin: germline.
Comment: The SEMA3C c.1254T>G variant is predicted to result in the amino acid substitution p.Phe418Leu. To our knowledge, this variant has not been reported in the literature or in a large population database (gnomAD), indicating this variant is rare. At this time, the clinical significance of this variant is uncertain due to the absence of conclusive functional and genetic evidence.